The following is an entry in ClinVar:

NM_001382391.1(CSPP1):c.2876G>A (p.Arg959Gln)

Gene: CSPP1 (centrosome and spindle pole associated protein 1; plus strand). Cytogenetic location: 8q13.2.
Variant type: single nucleotide variant.
Coding change: c.2876G>A on transcript NM_001382391.1 (MANE Select); coding-DNA position 2876, G replaced by A.
Protein change: p.Arg959Gln; replaces arginine 959 with glutamine.
Molecular consequence: missense variant.
Genome position (GRCh38, 1-based): chr8:67,172,463, G>A. VCF-style: chr8-67172463-G-A. GRCh37 (hg19) VCF-style: chr8-68084698-G-A.
Other names: c.1826G>A, p.Arg609Gln (NM_001291339.2); c.2795G>A, p.Arg932Gln (NM_001363131.2); c.2681G>A, p.Arg894Gln (NM_001363132.2); c.2600G>A, p.Arg867Gln (NM_001363133.2); c.2942G>A, p.Arg981Gln (NM_001364869.1); c.2762G>A, p.Arg921Gln (NM_001364870.1); c.2861G>A, p.Arg954Gln (NM_024790.7); short protein forms R609Q, R867Q, R894Q, R921Q, R932Q, R954Q, R959Q, R981Q.
Identifiers: ClinVar variation 1804248 (VCV001804248.3), dbSNP rs754751523, ClinGen allele CA178199106.

ClinVar aggregate classification (germline): Uncertain significance. Review status: criteria provided, multiple submitters, no conflicts (2 of 4 stars). 2 submissions from 2 submitters: Uncertain significance (2). Last evaluated 2025-05-18.

Conditions:
Inborn genetic diseases. Identifiers: MedGen C0950123, MeSH D030342.

Allele frequency attached by ClinVar (database versions not stated): gnomAD 0.00001; gnomAD exomes below 0.00001.
gnomAD v4.1: 4 of 1,612,738 alleles (0.00025%); highest among the groups gnomAD compares: South Asian, 0.0011%; no homozygotes.

Submissions (2):

Ambry Genetics
Classification: Uncertain significance for Inborn genetic diseases. Last evaluated: 2025-05-18. Review status: criteria provided, single submitter. Criteria: Ambry Variant Classification Scheme 2023. Collection method: clinical testing. Allele origin: germline.

GeneDx
Classification: Uncertain significance. Last evaluated: 2023-09-10. Review status: criteria provided, single submitter. Criteria: GeneDx Variant Classification Process June 2021. Collection method: clinical testing. Allele origin: germline.
Comment: Not observed at significant frequency in large population cohorts (gnomAD); In silico analysis supports that this missense variant does not alter protein structure/function; Has not been previously published as pathogenic or benign to our knowledge